The following is an entry in ClinVar:

NM_175875.5(SIX5):c.1739C>T (p.Ala580Val)

Gene: SIX5 (SIX homeobox 5; minus strand). Cytogenetic location: 19q13.32.
Variant type: single nucleotide variant.
Coding change: c.1739C>T on transcript NM_175875.5 (MANE Select); coding-DNA position 1739, C replaced by T.
Protein change: p.Ala580Val; replaces alanine 580 with valine.
Molecular consequence: missense variant.
Genome position (GRCh38, 1-based): chr19:45,765,982, G>A on the plus strand (C>T on the coding strand, the complement: SIX5 is on the minus strand). VCF-style: chr19-45765982-G-A. GRCh37 (hg19) VCF-style: chr19-46269240-G-A.
Other names: c.1739C>T (NM_175875.4); short protein forms A580V.
Identifiers: ClinVar variation 2056962 (VCV002056962.14), dbSNP rs748320873, ClinGen allele CA9520522.
Genomic context (GRCh38, chr19:45,765,982, plus strand): 5'-AGGCCTCCCTCAGGCACGGAGATGGCCGTCTCTGGCTTCAGTGGCAGGGCCAGGCCGGGG[G>A]CTGGCGGCAGGACCTGGGAGACGAGCATGCTGGTGGGGAAGGTGGCGGTGAGGATGATCT-3'
Protein context (NP_787071.3, residues 570-590): SMLVSQVLPP[Ala580Val]PGLALPLKPE

ClinVar aggregate classification (germline): Conflicting classifications of pathogenicity. Review status: criteria provided, conflicting classifications (1 of 4 stars). 5 submissions from 5 submitters: Uncertain significance (3); Likely benign (2). Last evaluated 2025-12-15.

Conditions:
Branchiootorenal syndrome 2 (BOR2). Identifiers: Orphanet 107, MedGen C1970479, MONDO:0012575, OMIM 610896.

Allele frequency attached by ClinVar (database versions not stated): TOPMed 0.00006; ExAC 0.00010; gnomAD 0.00010; gnomAD exomes 0.00019.

Submissions (5):

Labcorp Genetics (formerly Invitae), Labcorp
Classification: Uncertain significance. Last evaluated: 2025-12-15. Review status: criteria provided, single submitter. Criteria: Invitae Variant Classification Sherloc (09022015). Collection method: clinical testing. Allele origin: germline.
Comment: This sequence change replaces alanine, which is neutral and non-polar, with valine, which is neutral and non-polar, at codon 580 of the SIX5 protein (p.Ala580Val). This variant is present in population databases (rs748320873, gnomAD 0.02%). This variant has not been reported in the literature in individuals affected with SIX5-related conditions. ClinVar contains an entry for this variant (Variation ID: 2056962). Invitae Evidence Modeling of protein sequence and biophysical properties (such as structural, functional, and spatial information, amino acid conservation, physicochemical variation, residue mobility, and thermodynamic stability) indicates that this missense variant is not expected to disrupt SIX5 protein function with a negative predictive value of 80%. In summary, the available evidence is currently insufficient to determine the role of this variant in disease. Therefore, it has been classified as a Variant of Uncertain Significance.

CeGaT Center for Human Genetics Tuebingen
Classification: Likely benign. Last evaluated: 2025-09-01. Review status: criteria provided, single submitter. Criteria: CeGaT Center For Human Genetics Tuebingen Variant Classification Criteria Version 2. Collection method: clinical testing. Allele origin: germline. Affected: yes. Observed: 1 variant allele.
Comment: SIX5: BP4, BS2

Blueprint Genetics
Classification: Likely benign. Last evaluated: 2024-07-15. Review status: criteria provided, single submitter. Criteria: ACMG Guidelines, 2015. Collection method: clinical testing. Allele origin: germline.

Fulgent Genetics
Classification: Uncertain significance for Branchiootorenal syndrome 2. Last evaluated: 2024-06-12. Review status: criteria provided, single submitter. Criteria: ACMG Guidelines, 2015. Collection method: clinical testing. Allele origin: germline.

Ambry Genetics
Classification: Uncertain significance. Last evaluated: 2021-11-08. Review status: criteria provided, single submitter. Criteria: Ambry Variant Classification Scheme 2023. Collection method: clinical testing. Allele origin: germline.